The following is an entry in ClinVar:

ClinVar aggregate classification (germline): Likely benign. Review status: criteria provided, single submitter (1 of 4 stars). 2 submissions from 2 submitters: Likely benign (1). 1 of the submissions does not count toward it. Last evaluated 2025-07-01.

Conditions:
SEC31A-related disorder. Also called: SEC31A-related condition.

Allele frequency attached by ClinVar (database versions not stated): gnomAD exomes 0.00008; ExAC 0.00034; 1000 Genomes Project 0.00080; gnomAD 0.00090; TOPMed 0.00100; ESP Exome Variant Server 0.00108; 1000 Genomes Project 30x 0.00125.
gnomAD v4.1: 253 of 1,611,710 alleles (0.016%); highest among the groups gnomAD compares: African/African-American, 0.3%; no homozygotes.

Submissions (2):

CeGaT Center for Human Genetics Tuebingen
Classification: Likely benign. Last evaluated: 2025-07-01. Review status: criteria provided, single submitter. Criteria: CeGaT Center For Human Genetics Tuebingen Variant Classification Criteria Version 2. Collection method: clinical testing. Allele origin: germline. Affected: yes. Observed: 1 variant allele.
Comment: SEC31A: BP4

PreventionGenetics, part of Exact Sciences
Classification: Likely benign for SEC31A-related condition. Last evaluated: 2023-01-05. Review status: no assertion criteria provided. Collection method: clinical testing. Allele origin: germline. Not counted in ClinVar's aggregate classification.
Comment: This variant is classified as likely benign based on ACMG/AMP sequence variant interpretation guidelines (Richards et al. 2015 PMID: 25741868, with internal and published modifications).

NM_001077207.4(SEC31A):c.402+3T>G

Gene: SEC31A (SEC31 homolog A, COPII component; minus strand). Cytogenetic location: 4q21.22.
Variant type: single nucleotide variant.
Coding change: c.402+3T>G on transcript NM_001077207.4 (MANE Select); 3 bases into the intron after coding-DNA position 402, T replaced by G.
Molecular consequence: intron variant.
Genome position (GRCh38, 1-based): chr4:82,878,727, A>C on the plus strand (T>G on the coding strand, the complement: SEC31A is on the minus strand). VCF-style: chr4-82878727-A-C. GRCh37 (hg19) VCF-style: chr4-83799880-A-C.
Other names: c.402+3T>G (NM_001318120.2, NM_001318119.2, NM_001300744.3 and 48 more transcripts); c.387+3T>G (NM_001191049.2, NM_001400212.1, NM_001400214.1); c.240+3T>G (NM_001400215.1); c.-73+131T>G (NM_001400224.1).
Identifiers: ClinVar variation 3052093 (VCV003052093.10), dbSNP rs200807779, ClinGen allele CA2986932.